The following is an entry in ClinVar:

NM_000059.4(BRCA2):c.2587A>C (p.Asn863His)

Gene: BRCA2 (BRCA2 DNA repair associated; plus strand). Cytogenetic location: 13q13.1.
Variant type: single nucleotide variant.
Coding change: c.2587A>C on transcript NM_000059.4 (MANE Select); coding-DNA position 2587, A replaced by C.
Protein change: p.Asn863His; replaces asparagine 863 with histidine.
Molecular consequence: missense variant. On other transcripts: non-coding transcript variant (1), intron variant (2).
Genome position (GRCh38, 1-based): chr13:32,336,942, A>C. VCF-style: chr13-32336942-A-C. GRCh37 (hg19) VCF-style: chr13-32911079-A-C.
Other names: c.2587A>C, p.Asn863His (NM_001406719.1, NM_001406720.1); c.1909+3555A>C (NM_001406721.1); c.424+5912A>C (NM_001406722.1); short protein forms N863H.
Identifiers: ClinVar variation 2832356 (VCV002832356.3), dbSNP rs2137487932, ClinGen allele CA387772602.
Genomic context (GRCh38, chr13:32,336,942, plus strand): 5'-GCATCACCTTCAAGAAAGGTACAATTCAACCAAAACACAAATCTAAGAGTAATCCAAAAA[A>C]ATCAAGAAGAAACTACTTCAATTTCAAAAATAACTGTCAATCCAGACTCTGAAGAACTTT-3'
Protein context (NP_000050.3, residues 853-873): QNTNLRVIQK[Asn863His]QEETTSISKI

ClinVar aggregate classification (germline): Uncertain significance (1 of 4 stars; one submission).

Conditions:
Hereditary breast ovarian cancer syndrome. Also called: Hereditary breast and ovarian cancer; BRCA1- and BRCA2-Associated Hereditary Breast and Ovarian Cancer; Hereditary breast and ovarian cancer syndrome; Hereditary breast and ovarian cancer syndrome (HBOC); Breast and ovarian cancer; Hereditary breast and/or ovarian cancer syndrome. Identifiers: Orphanet 145, MedGen C0677776, MeSH D061325, MONDO:0003582. Disease mechanism: loss of function.

Allele frequency attached by ClinVar (database versions not stated): gnomAD exomes below 0.00001.
gnomAD v4.1: 1 of 1,589,436 alleles (0.000063%); highest among the groups gnomAD compares: African/African-American, 0.0014%; no homozygotes.

Submission:

Labcorp Genetics (formerly Invitae), Labcorp
Classification: Uncertain significance for Hereditary breast ovarian cancer syndrome. Last evaluated: 2023-01-27. Review status: criteria provided, single submitter. Criteria: Invitae Variant Classification Sherloc (09022015). Collection method: clinical testing. Allele origin: germline.
Comment: In summary, the available evidence is currently insufficient to determine the role of this variant in disease. Therefore, it has been classified as a Variant of Uncertain Significance. Advanced modeling of protein sequence and biophysical properties (such as structural, functional, and spatial information, amino acid conservation, physicochemical variation, residue mobility, and thermodynamic stability) performed at Invitae indicates that this missense variant is not expected to disrupt BRCA2 protein function. This variant has not been reported in the literature in individuals affected with BRCA2-related conditions. This variant is not present in population databases (gnomAD no frequency). This sequence change replaces asparagine, which is neutral and polar, with histidine, which is basic and polar, at codon 863 of the BRCA2 protein (p.Asn863His).